The following is an entry in ClinVar:

NM_001430.5(EPAS1):c.2055G>T (p.Lys685Asn)

Gene: EPAS1 (endothelial PAS domain protein 1; plus strand). Cytogenetic location: 2p21.
Variant type: single nucleotide variant.
Coding change: c.2055G>T on transcript NM_001430.5 (MANE Select); coding-DNA position 2055, G replaced by T.
Protein change: p.Lys685Asn; replaces lysine 685 with asparagine.
Molecular consequence: missense variant.
Genome position (GRCh38, 1-based): chr2:46,381,605, G>T. VCF-style: chr2-46381605-G-T. GRCh37 (hg19) VCF-style: chr2-46608744-G-T.
Other names: short protein forms K685N.
Identifiers: ClinVar variation 2456459 (VCV002456459.2), dbSNP rs2546479428, ClinGen allele CA346705439.

ClinVar aggregate classification (germline): Uncertain significance (1 of 4 stars; one submission).

Conditions:
Inborn genetic diseases. Identifiers: MedGen C0950123, MeSH D030342.

Submission:

Ambry Genetics
Classification: Uncertain significance for Inborn genetic diseases. Last evaluated: 2022-12-16. Review status: criteria provided, single submitter. Criteria: Ambry Variant Classification Scheme 2023. Collection method: clinical testing. Allele origin: germline.
Comment: The p.K685N variant (also known as c.2055G>T), located in coding exon 13 of the EPAS1 gene, results from a G to T substitution at nucleotide position 2055. The lysine at codon 685 is replaced by asparagine, an amino acid with similar properties. This amino acid position is conserved. In addition, this alteration is predicted to be tolerated by in silico analysis. Since supporting evidence is limited at this time, the clinical significance of this alteration remains unclear.